The following is an entry in ClinVar:

NM_001148.6(ANK2):c.4259C>T (p.Thr1420Met)

Gene: ANK2 (ankyrin 2; plus strand). Cytogenetic location: 4q26.
Variant type: single nucleotide variant.
Coding change: c.4259C>T on transcript NM_001148.6 (MANE Select); coding-DNA position 4259, C replaced by T.
Protein change: p.Thr1420Met; replaces threonine 1420 with methionine.
Molecular consequence: missense variant.
Genome position (GRCh38, 1-based): chr4:113,345,910, C>T. VCF-style: chr4-113345910-C-T. GRCh37 (hg19) VCF-style: chr4-114267066-C-T.
Other names: c.4232C>T, p.Thr1411Met (NM_001127493.3); c.4271C>T, p.Thr1424Met (NM_001354225.2); c.4160C>T, p.Thr1387Met (NM_001354228.2, NM_001354258.2); c.4238C>T, p.Thr1413Met (NM_001354230.2); c.4301C>T, p.Thr1434Met (NM_001354231.2, NM_001354242.2); c.4295C>T, p.Thr1432Met (NM_001354232.2); c.4256C>T, p.Thr1419Met (NM_001354235.2, NM_001354246.2, NM_001354265.2); c.4157C>T, p.Thr1386Met (NM_001354236.2); and 31 more; short protein forms T1345M, T1368M, T1377M, T1399M, T1259M, T1320M, T1349M, T1358M.
Identifiers: ClinVar variation 1444516 (VCV001444516.14), dbSNP rs779367457, ClinGen allele CA3051033.
Genomic context (GRCh38, chr4:113,345,910, plus strand): 5'-AATACTGCAAATCAAATGTGGGTGAAGCATGTATGTCTTTCTTGTTCAAGGTACGCGATA[C>T]GACTCAGGAACCTTGCGGACGACTATCATTTATGAAGGAGCCAAAATCCACGAGAGGCCT-3'
Protein context (NP_001139.3, residues 1410-1430): RLPLFVKVRD[Thr1420Met]TQEPCGRLSF

ClinVar aggregate classification (germline): Conflicting classifications of pathogenicity. Review status: criteria provided, conflicting classifications (1 of 4 stars). 4 submissions from 4 submitters: Uncertain significance (3); Likely benign (1). Last evaluated 2026-03-01.

Conditions:
Long QT syndrome (LQTS). Identifiers: MedGen C0023976, MeSH D008133, MONDO:0002442. Disease mechanism: loss of function. Inheritance: Various modes of inheritance.
Cardiovascular phenotype. Identifiers: MedGen CN230736.
Cardiac arrhythmia, ankyrin-B-related. Also called: ANKYRIN-B SYNDROME. Identifiers: Orphanet 101016, Orphanet 768, MedGen C1970119, MONDO:0010958, OMIM 600919.

Allele frequency attached by ClinVar (database versions not stated): gnomAD 0.00005; TOPMed 0.00006; ExAC 0.00011; gnomAD exomes 0.00012.
gnomAD v4.1: 75 of 1,613,184 alleles (0.0046%); highest among the groups gnomAD compares: Admixed American, 0.028%; no homozygotes.

Submissions (4):

CeGaT Center for Human Genetics Tuebingen
Classification: Uncertain significance. Last evaluated: 2026-03-01. Review status: criteria provided, single submitter. Criteria: CeGaT Center For Human Genetics Tuebingen Variant Classification Criteria Version 2. Collection method: clinical testing. Allele origin: germline. Affected: yes. Observed: 1 variant allele.

Labcorp Genetics (formerly Invitae), Labcorp
Classification: Uncertain significance for Long QT syndrome. Last evaluated: 2025-04-13. Review status: criteria provided, single submitter. Criteria: Invitae Variant Classification Sherloc (09022015). Collection method: clinical testing. Allele origin: germline.
Comment: This sequence change replaces threonine, which is neutral and polar, with methionine, which is neutral and non-polar, at codon 1420 of the ANK2 protein (p.Thr1420Met). This variant is present in population databases (rs779367457, gnomAD 0.04%), and has an allele count higher than expected for a pathogenic variant. This variant has not been reported in the literature in individuals affected with ANK2-related conditions. ClinVar contains an entry for this variant (Variation ID: 1444516). Invitae Evidence Modeling of protein sequence and biophysical properties (such as structural, functional, and spatial information, amino acid conservation, physicochemical variation, residue mobility, and thermodynamic stability) indicates that this missense variant is not expected to disrupt ANK2 protein function with a negative predictive value of 80%. In summary, the available evidence is currently insufficient to determine the role of this variant in disease. Therefore, it has been classified as a Variant of Uncertain Significance.

Ambry Genetics
Classification: Likely benign for Cardiovascular phenotype. Last evaluated: 2022-01-25. Review status: criteria provided, single submitter. Criteria: Ambry Variant Classification Scheme 2023. Collection method: clinical testing. Allele origin: germline.

Fulgent Genetics
Classification: Uncertain significance for Cardiac arrhythmia, ankyrin-B-related. Last evaluated: 2021-08-12. Review status: criteria provided, single submitter. Criteria: ACMG Guidelines, 2015. Collection method: clinical testing. Allele origin: unknown.

Literature cited by the submitters: PubMed 29071820 (cited by Ambry Genetics).